The following is an entry in ClinVar:

NM_198578.4(LRRK2):c.947T>C (p.Leu316Ser)

Gene: LRRK2 (leucine rich repeat kinase 2; plus strand). Cytogenetic location: 12q12.
Variant type: single nucleotide variant.
Coding change: c.947T>C on transcript NM_198578.4 (MANE Select); coding-DNA position 947, T replaced by C.
Protein change: p.Leu316Ser; replaces leucine 316 with serine.
Molecular consequence: missense variant.
Genome position (GRCh38, 1-based): chr12:40,249,934, T>C. VCF-style: chr12-40249934-T-C. GRCh37 (hg19) VCF-style: chr12-40643736-T-C.
Other names: short protein forms L316S.
Identifiers: ClinVar variation 1767096 (VCV001767096.2), dbSNP rs2499493366, ClinGen allele CA384407494.

ClinVar aggregate classification (germline): Uncertain significance (1 of 4 stars; one submission).

Conditions:
Inborn genetic diseases. Identifiers: MedGen C0950123, MeSH D030342.

Submission:

Ambry Genetics
Classification: Uncertain significance for Inborn genetic diseases. Last evaluated: 2022-07-01. Review status: criteria provided, single submitter. Criteria: Ambry Variant Classification Scheme 2023. Collection method: clinical testing. Allele origin: germline.
Comment: The p.L316S variant (also known as c.947T>C), located in coding exon 8 of the LRRK2 gene, results from a T to C substitution at nucleotide position 947. The leucine at codon 316 is replaced by serine, an amino acid with dissimilar properties. This amino acid position is conserved. In addition, this alteration is predicted to be deleterious by in silico analysis. Since supporting evidence is limited at this time, the clinical significance of this alteration remains unclear.